The following is an entry in ClinVar:

ClinVar aggregate classification (germline): Benign/Likely benign. Review status: criteria provided, multiple submitters, no conflicts (2 of 4 stars). 8 submissions from 8 submitters: Benign (6); Likely benign (1). 1 of the submissions does not count toward it. Last evaluated 2026-02-03.

Conditions:
Microcephalic osteodysplastic primordial dwarfism type II (MOPD2). Also called: MOPD II; OSTEODYSPLASTIC PRIMORDIAL DWARFISM, TYPE II; Microcephalic osteodysplastic primordial dwarfism with tooth abnormalities. Identifiers: Orphanet 2637, MedGen C0432246, MONDO:0008872, OMIM 210720.

Allele frequency attached by ClinVar (database versions not stated): TOPMed 0.02823; gnomAD 0.03060 and 0.03082; ESP Exome Variant Server 0.03222; gnomAD exomes 0.03548; 1000 Genomes Project 0.01558; 1000 Genomes Project 30x 0.01686.
gnomAD v4.1: 67,821 of 1,614,146 alleles (4.2%); highest among the groups gnomAD compares: Non-Finnish European, 4.8%; 1,665 homozygotes.

Submissions (8):

Labcorp Genetics (formerly Invitae), Labcorp
Classification: Benign. Last evaluated: 2026-02-03. Review status: criteria provided, single submitter. Criteria: Invitae Variant Classification Sherloc (09022015). Collection method: clinical testing. Allele origin: germline.

Blueprint Genetics
Classification: Likely benign. Last evaluated: 2024-11-28. Review status: criteria provided, single submitter. Criteria: ACMG Guidelines, 2015. Collection method: clinical testing. Allele origin: germline.

Illumina Laboratory Services, Illumina
Classification: Benign for Microcephalic osteodysplastic primordial dwarfism type II. Last evaluated: 2018-01-12. Review status: criteria provided, single submitter. Criteria: ICSL Variant Classification Criteria 13 December 2019. Collection method: clinical testing. Allele origin: germline.
Comment: This variant was observed in the ICSL laboratory as part of a predisposition screen in an ostensibly healthy population. It had not been previously curated by ICSL or reported in the Human Gene Mutation Database (HGMD: prior to June 1st, 2018), and was therefore a candidate for classification through an automated scoring system. Utilizing variant allele frequency, disease prevalence and penetrance estimates, and inheritance mode, an automated score was calculated to assess if this variant is too frequent to cause the disease. Based on the score and internal cut-off values, a variant classified as benign is not then subjected to further curation. The score for this variant resulted in a classification of benign for this disease.

Clinical Genetics DNA and cytogenetics Diagnostics Lab, Erasmus MC, Erasmus Medical Center
Classification: Benign for Microcephalic osteodysplastic primordial dwarfism type II. Last evaluated: 2017-06-28. Review status: criteria provided, single submitter. Criteria: ACGS Guidelines, 2013. Collection method: clinical testing. Allele origin: germline. Affected: yes. Study: VKGL Data-share Consensus.

GeneDx
Classification: Benign. Last evaluated: 2015-03-03. Review status: criteria provided, single submitter. Criteria: GeneDx Variant Classification Process June 2021. Collection method: clinical testing. Allele origin: germline. Affected: yes.

Genetic Services Laboratory, University of Chicago
Classification: Benign. Last evaluated: 2013-02-08. Review status: criteria provided, single submitter. Criteria: ACMG Guidelines, 2007. Collection method: clinical testing. Allele origin: germline. Inheritance: Autosomal recessive inheritance.

Breakthrough Genomics
Classification: Benign. Review status: criteria provided, single submitter. Criteria: ACMG Guidelines, 2015. Collection method: not provided. Allele origin: germline. Inheritance: Autosomal recessive inheritance. Affected: yes.

Diagnostic Laboratory, Department of Genetics, University Medical Center Groningen
Classification: Benign for Microcephalic osteodysplastic primordial dwarfism type II. Review status: no assertion criteria provided. Collection method: clinical testing. Allele origin: germline. Affected: yes. Study: VKGL Data-share Consensus. Not counted in ClinVar's aggregate classification.

NM_006031.6(PCNT):c.3339T>C (p.Ser1113=)

Gene: PCNT (pericentrin; plus strand). Cytogenetic location: 21q22.3.
Variant type: single nucleotide variant.
Coding change: c.3339T>C on transcript NM_006031.6 (MANE Select); coding-DNA position 3339, T replaced by C.
Protein change: p.Ser1113=; no amino-acid change (serine 1113 retained).
Molecular consequence: synonymous variant.
Genome position (GRCh38, 1-based): chr21:46,385,858, T>C. VCF-style: chr21-46385858-T-C. GRCh37 (hg19) VCF-style: chr21-47805773-T-C.
Other names: c.2985T>C, p.Ser995= (NM_001315529.2).
Identifiers: ClinVar variation 159585 (VCV000159585.20), dbSNP rs61735805, ClinGen allele CA172991.
Genomic context (GRCh38, chr21:46,385,858, plus strand): 5'-TTTTAACGAAAGCTTTAACCATTTTTCTCGATAGCTGAAAGACCAGGTTTTATCCTTAAG[T>C]CACGAGATAGAAGAGTGCCGCTCCGAGTTGGAGGTGCTGCAGCAGAGGCGGGAGCGGGAG-3'
Protein context (NP_006022.3, residues 1103-1123): QQLKDQVLSL[Ser1113=]HEIEECRSEL